The following is an entry in ClinVar:

NM_018368.4(LMBRD1):c.373G>T (p.Glu125Ter)

Gene: LMBRD1 (LMBR1 domain containing 1; minus strand). Cytogenetic location: 6q13.
Variant type: single nucleotide variant.
Coding change: c.373G>T on transcript NM_018368.4 (MANE Select); coding-DNA position 373, G replaced by T.
Protein change: p.Glu125Ter; replaces glutamic acid 125 with a stop codon.
Molecular consequence: nonsense.
Genome position (GRCh38, 1-based): chr6:69,752,291, C>A on the plus strand (G>T on the coding strand, the complement: LMBRD1 is on the minus strand). VCF-style: chr6-69752291-C-A. GRCh37 (hg19) VCF-style: chr6-70462183-C-A.
Other names: c.154G>T, p.Glu52Ter (NM_001363722.2, NM_001367271.1, NM_001367272.1); short protein forms E125*, E52*.
Identifiers: ClinVar variation 3002392 (VCV003002392.3), dbSNP rs1765174711, ClinGen allele CA364802062.
Genomic context (GRCh38, chr6:69,752,291, plus strand): 5'-CTAAGGCCTCTAAAATAAAGATACTTACAGTACATTTACTAGTATCATCATCATCCTTTT[C>A]TTCATAATAGAAGTAGACAAAAGGGATCCAGAAGAACACACAGAACAATATAACAGAATA-3'

ClinVar aggregate classification (germline): Pathogenic (1 of 4 stars; one submission).

Conditions:
Methylmalonic aciduria and homocystinuria type cblF. Also called: COBALAMIN F DISEASE; COBALAMIN, DEFECT IN LYSOSOMAL RELEASE OF; METHYLMALONIC ACIDEMIA AND HOMOCYSTINURIA, cblF TYPE; METHYLMALONIC ACIDURIA DUE TO VITAMIN B12-RELEASE DEFECT; VITAMIN B12 LYSOSOMAL RELEASE DEFECT; VITAMIN B12 STORAGE DISEASE. Identifiers: Orphanet 79284, MedGen C1848578, MONDO:0010183, OMIM 277380.

gnomAD v4.1: 1 of 1,610,470 alleles (0.000062%); no homozygotes.

Submission:

Labcorp Genetics (formerly Invitae), Labcorp
Classification: Pathogenic for Methylmalonic aciduria and homocystinuria type cblF. Last evaluated: 2023-05-22. Review status: criteria provided, single submitter. Criteria: Invitae Variant Classification Sherloc (09022015). Collection method: clinical testing. Allele origin: germline.
Comment: This sequence change creates a premature translational stop signal (p.Glu125*) in the LMBRD1 gene. It is expected to result in an absent or disrupted protein product. Loss-of-function variants in LMBRD1 are known to be pathogenic (PMID: 19136951, 21303734). For these reasons, this variant has been classified as Pathogenic. Algorithms developed to predict the effect of sequence changes on RNA splicing suggest that this variant may disrupt the consensus splice site. This variant has not been reported in the literature in individuals affected with LMBRD1-related conditions. This variant is not present in population databases (gnomAD no frequency).

Literature cited by the submitters: PubMed 19136951; PubMed 21303734.